The following is an entry in ClinVar:

NM_001379200.1(TBX1):c.201dup (p.Gly68fs)

Gene: TBX1 (T-box transcription factor 1; plus strand). Cytogenetic location: 22q11.21.
Variant type: Duplication.
Coding change: c.201dup on transcript NM_001379200.1 (MANE Select); coding-DNA position 201, one base duplicated (C; older notation c.201dupC).
Protein change: p.Gly68fs; shifts the reading frame from glycine 68.
Molecular consequence: frameshift variant.
Genome position (GRCh38, 1-based): chr22:19,761,044, C duplicated; the last of 5 consecutive C bases (chr22:19,761,040-19,761,044); duplicating any one gives the same sequence. VCF-style (leftmost placement, unchanged base first): chr22-19761039-G-GC. GRCh37 (hg19) VCF-style: chr22-19748562-G-GC.
Other names: c.174dup, p.Gly59fs (NM_005992.1, NM_080646.2, NM_080647.1); short protein forms G59fs, G68fs.
Identifiers: ClinVar variation 2133191 (VCV002133191.4), dbSNP rs1321457390, ClinGen allele CA2580099102.
Genomic context (GRCh38, chr22:19,761,039, plus strand): 5'-CCGTACGGCCCGCGCGAGCCCCCGCCGCCGCCGCCGCGCTACGACCCGTGCGCCGCCGCC[G>GC]CCCCCGGCGCCCCGGGCCCGCCGCCGCCGCCGCACGCCTACCCGTTTGCGCCGGCCGCCG-3'

ClinVar aggregate classification (germline): Pathogenic (1 of 4 stars; one submission).

Conditions:
DiGeorge syndrome. Also called: THIRD AND FOURTH PHARYNGEAL POUCH SYNDROME; Catch22. Identifiers: Orphanet 567, MedGen C0012236, MONDO:0008564, OMIM 188400.

Submission:

Labcorp Genetics (formerly Invitae), Labcorp
Classification: Pathogenic for DiGeorge syndrome. Last evaluated: 2025-06-09. Review status: criteria provided, single submitter. Criteria: Invitae Variant Classification Sherloc (09022015). Collection method: clinical testing. Allele origin: germline.
Comment: This sequence change creates a premature translational stop signal (p.Gly59Argfs*110) in the TBX1 gene. It is expected to result in an absent or disrupted protein product. Loss-of-function variants in TBX1 are known to be pathogenic (PMID: 25860641, 29500247). The frequency data for this variant in the population databases is considered unreliable, as metrics indicate insufficient coverage at this position in the gnomAD database. This variant has not been reported in the literature in individuals affected with TBX1-related conditions. ClinVar contains an entry for this variant (Variation ID: 2133191). For these reasons, this variant has been classified as Pathogenic.

Literature cited by the submitters: PubMed 25860641; PubMed 29500247.